The following is an entry in ClinVar:

ClinVar aggregate classification (germline): Uncertain significance (1 of 4 stars; one submission).

Submission:

CeGaT Center for Human Genetics Tuebingen
Classification: Uncertain significance. Last evaluated: 2024-07-01. Review status: criteria provided, single submitter. Criteria: CeGaT Center For Human Genetics Tuebingen Variant Classification Criteria Version 2. Collection method: clinical testing. Allele origin: germline. Affected: yes. Observed: 1 variant allele.
Comment: SH3KBP1: PM2

NM_031892.3(SH3KBP1):c.302G>A (p.Arg101His)

Gene: SH3KBP1 (SH3 domain containing kinase binding protein 1; minus strand). Cytogenetic location: Xp22.12.
Variant type: single nucleotide variant.
Coding change: c.302G>A on transcript NM_031892.3 (MANE Select); coding-DNA position 302, G replaced by A.
Protein change: p.Arg101His; replaces arginine 101 with histidine.
Molecular consequence: missense variant.
Genome position (GRCh38, 1-based): chrX:19,706,969, C>T on the plus strand (G>A on the coding strand, the complement: SH3KBP1 is on the minus strand). VCF-style: chrX-19706969-C-T. GRCh37 (hg19) VCF-style: chrX-19725087-C-T.
Other names: c.191G>A, p.Arg64His (NM_001024666.3); c.302G>A, p.Arg101His (NM_001353890.2, NM_001353891.2, NM_001353892.2 and 2 more transcripts); c.125G>A, p.Arg42His (NM_001353893.2, NM_001353894.2, NM_001353895.2 and 1 more transcripts); short protein forms R101H, R42H, R64H.
Identifiers: ClinVar variation 3257559 (VCV003257559.17).